The following is an entry in ClinVar:

ClinVar aggregate classification (germline): Uncertain significance (1 of 4 stars; one submission).

Submission:

Women's Health and Genetics/Laboratory Corporation of America, LabCorp
Classification: Uncertain significance. Last evaluated: 2025-06-03. Review status: criteria provided, single submitter. Criteria: LabCorp Variant Classification Summary - May 2015. Collection method: clinical testing. Allele origin: germline.
Comment: Variant summary: ZEB2 c.2730G>A (p.Met910Ile) results in a conservative amino acid change in the encoded protein sequence. Algorithms developed to predict the effect of missense changes on protein structure and function are either unavailable or do not agree on the potential impact of this missense change. The variant was absent in 251428 control chromosomes (gnomAD). The available data on variant occurrences in the general population are insufficient to allow any conclusion about variant significance. To our knowledge, no occurrence of c.2730G>A in individuals affected with Mowat-Wilson Syndrome and no experimental evidence demonstrating its impact on protein function have been reported. ClinVar contains an entry for this variant (Variation ID: 3233456). Based on the evidence outlined above, the variant was classified as uncertain significance.

NM_014795.4(ZEB2):c.2730G>A (p.Met910Ile)

Gene: ZEB2 (zinc finger E-box binding homeobox 2; minus strand). Cytogenetic location: 2q22.3.
Variant type: single nucleotide variant.
Coding change: c.2730G>A on transcript NM_014795.4 (MANE Select); coding-DNA position 2730, G replaced by A.
Protein change: p.Met910Ile; replaces methionine 910 with isoleucine.
Molecular consequence: missense variant.
Genome position (GRCh38, 1-based): chr2:144,398,457, C>T on the plus strand (G>A on the coding strand, the complement: ZEB2 is on the minus strand). VCF-style: chr2-144398457-C-T. GRCh37 (hg19) VCF-style: chr2-145156024-C-T.
Other names: c.2658G>A, p.Met886Ile (NM_001171653.2); short protein forms M886I, M910I.
Identifiers: ClinVar variation 3233456 (VCV003233456.3), dbSNP rs2549105724, ClinGen allele CA348707185.